The following is an entry in ClinVar:

ClinVar aggregate classification (germline): Uncertain significance (0 of 4 stars; one submission).

Conditions:
NRP1-related disorder. Also called: NRP1-related condition.

Submission:

PreventionGenetics, part of Exact Sciences
Classification: Uncertain significance for NRP1-related condition. Last evaluated: 2023-12-10. Review status: no assertion criteria provided. Collection method: clinical testing. Allele origin: germline.
Comment: The NRP1 c.406A>G variant is predicted to result in the amino acid substitution p.Ile136Val. To our knowledge, this variant has not been reported in the literature or in a large population database, indicating this variant is rare. At this time, the clinical significance of this variant is uncertain due to the absence of conclusive functional and genetic evidence.

NM_003873.7(NRP1):c.406A>G (p.Ile136Val)

Gene: NRP1 (neuropilin 1; minus strand). Cytogenetic location: 10p11.22.
Variant type: single nucleotide variant.
Coding change: c.406A>G on transcript NM_003873.7 (MANE Select); coding-DNA position 406, A replaced by G.
Protein change: p.Ile136Val; replaces isoleucine 136 with valine.
Molecular consequence: missense variant.
Genome position (GRCh38, 1-based): chr10:33,270,699, T>C on the plus strand (A>G on the coding strand, the complement: NRP1 is on the minus strand). VCF-style: chr10-33270699-T-C. GRCh37 (hg19) VCF-style: chr10-33559627-T-C.
Other names: c.406A>G, p.Ile136Val (NM_001024628.3, NM_001024629.3, NM_001244972.2 and 2 more transcripts); short protein forms I136V.
Identifiers: ClinVar variation 3349387 (VCV003349387.1).